The following is an entry in ClinVar:

ClinVar aggregate classification (germline): Likely benign. Review status: criteria provided, multiple submitters, no conflicts (2 of 4 stars). 2 submissions from 2 submitters: Likely benign (2). Last evaluated 2025-08-18.

Conditions:
Pheochromocytoma/paraganglioma syndrome 1. Also called: Paraganglioma - glomus jugulare; SDHD-Related Hereditary Paraganglioma-Pheochromocytoma Syndrome; Paragangliomas 1; PARAGANGLIOMAS, FAMILIAL NONCHROMAFFIN, 1; PGL 1; Paragangliomas familial 1. Identifiers: Orphanet 29072, MedGen C3494181, MONDO:0008192, OMIM 168000.
Carney-Stratakis syndrome. Also called: PARAGANGLIOMA AND GASTROINTESTINAL STROMAL TUMOR. Identifiers: Orphanet 97286, MedGen C1847319, MONDO:0011740, OMIM 606864.
Cowden syndrome 3 (CWS3). Identifiers: Orphanet 201, MedGen CN166604, MONDO:0014045.
Pheochromocytoma. Also called: MAX-Related Hereditary Paraganglioma-Pheochromocytoma Syndrome. Identifiers: Orphanet 29072, MedGen C0031511, MONDO:0008233, OMIM 171300, HP:0002666.
Paragangliomas with sensorineural hearing loss. Identifiers: MedGen C1868633.

Allele frequency attached by ClinVar (database versions not stated): gnomAD exomes below 0.00001; TOPMed 0.00002.

Submissions (2):

Labcorp Genetics (formerly Invitae), Labcorp
Classification: Likely benign for Carney-Stratakis syndrome; Paragangliomas with sensorineural hearing loss; Pheochromocytoma; Cowden syndrome 3. Last evaluated: 2025-08-18. Review status: criteria provided, single submitter. Criteria: Invitae Variant Classification Sherloc (09022015). Collection method: clinical testing. Allele origin: germline.

Myriad Genetics, Inc.
Classification: Likely benign for Pheochromocytoma/paraganglioma syndrome 1. Last evaluated: 2025-03-17. Review status: criteria provided, single submitter. Criteria: Myriad Autosomal Dominant, Autosomal Recessive and X-Linked Classification Criteria (2023). Collection method: clinical testing. Allele origin: unknown.
Comment: This variant is considered likely benign. This variant is intronic and is not expected to impact mRNA splicing.

NM_003002.4(SDHD):c.170-13G>A

Gene: SDHD (succinate dehydrogenase complex subunit D; plus strand). Cytogenetic location: 11q23.1.
Variant type: single nucleotide variant.
Coding change: c.170-13G>A on transcript NM_003002.4 (MANE Select); 13 bases into the intron before coding-DNA position 170, G replaced by A.
Molecular consequence: intron variant.
Genome position (GRCh38, 1-based): chr11:112,088,854, G>A. VCF-style: chr11-112088854-G-A. GRCh37 (hg19) VCF-style: chr11-111959578-G-A.
Other names: c.170-13G>A (NM_001276506.2); c.169+881G>A (NM_001276503.2); c.53-13G>A (NM_001276504.2).
Identifiers: ClinVar variation 1552009 (VCV001552009.11), dbSNP rs1447202823, ClinGen allele CA601745086.
Genomic context (GRCh38, chr11:112,088,854, plus strand): 5'-TGTGTGGCATATGTTGAACATGAAAGATGTGTGTTTCTCACATCAACTTTTATGAATCTG[G>A]TCCTTTTTGTAGCTGGCTCCAAGGCTGCATCTCTCCACTGGACTAGCGAGAGGGTTGTCA-3'